The following is an entry in ClinVar:

NM_000528.4(MAN2B1):c.1140C>A (p.Tyr380Ter)

Gene: MAN2B1 (mannosidase alpha class 2B member 1; minus strand). Cytogenetic location: 19p13.13.
Variant type: single nucleotide variant.
Coding change: c.1140C>A on transcript NM_000528.4 (MANE Select); coding-DNA position 1140, C replaced by A.
Protein change: p.Tyr380Ter; replaces tyrosine 380 with a stop codon.
Molecular consequence: nonsense.
Genome position (GRCh38, 1-based): chr19:12,658,314, G>T on the plus strand (C>A on the coding strand, the complement: MAN2B1 is on the minus strand). VCF-style: chr19-12658314-G-T. GRCh37 (hg19) VCF-style: chr19-12769128-G-T.
Other names: c.1137C>A, p.Tyr379Ter (NM_001173498.2); short protein forms Y379*, Y380*.
Identifiers: ClinVar variation 1377818 (VCV001377818.6), dbSNP rs767768982, ClinGen allele CA9226568.

ClinVar aggregate classification (germline): Pathogenic (1 of 4 stars; one submission).

Conditions:
Deficiency of alpha-mannosidase (MANSA). Also called: Alpha-Mannosidosis; Mannosidosis, alpha-, types I and II; LYSOSOMAL ALPHA-D-MANNOSIDASE DEFICIENCY. Identifiers: Orphanet 61, MedGen C0024748, MONDO:0009561, OMIM 248500.

Allele frequency attached by ClinVar (database versions not stated): gnomAD exomes below 0.00001; ExAC 0.00001.
gnomAD v4.1: 2 of 1,614,112 alleles (0.00012%); highest among the groups gnomAD compares: Non-Finnish European, 0.00017%; no homozygotes.

Submission:

Labcorp Genetics (formerly Invitae), Labcorp
Classification: Pathogenic for Deficiency of alpha-mannosidase. Last evaluated: 2023-05-05. Review status: criteria provided, single submitter. Criteria: Invitae Variant Classification Sherloc (09022015). Collection method: clinical testing. Allele origin: germline.
Comment: For these reasons, this variant has been classified as Pathogenic. Algorithms developed to predict the effect of sequence changes on RNA splicing suggest that this variant may create or strengthen a splice site. ClinVar contains an entry for this variant (Variation ID: 1377818). This variant has not been reported in the literature in individuals affected with MAN2B1-related conditions. This variant is present in population databases (rs767768982, gnomAD 0.0009%). This sequence change creates a premature translational stop signal (p.Tyr380*) in the MAN2B1 gene. It is expected to result in an absent or disrupted protein product. Loss-of-function variants in MAN2B1 are known to be pathogenic (PMID: 9915946, 22161967).

Literature cited by the submitters: PubMed 9915946; PubMed 22161967.